The following is an entry in ClinVar:

ClinVar aggregate classification (germline): Pathogenic (1 of 4 stars; one submission).

Conditions:
Breast-ovarian cancer, familial, susceptibility to, 4. Identifiers: Orphanet 145, MedGen C3280345, MONDO:0013669, OMIM 614291.

Submission:

Labcorp Genetics (formerly Invitae), Labcorp
Classification: Pathogenic for Breast-ovarian cancer, familial, susceptibility to, 4. Last evaluated: 2024-11-22. Review status: criteria provided, single submitter. Criteria: Invitae Variant Classification Sherloc (09022015). Collection method: clinical testing. Allele origin: germline.
Comment: This sequence change creates a premature translational stop signal (p.Val66*) in the RAD51D gene. It is expected to result in an absent or disrupted protein product. Loss-of-function variants in RAD51D are known to be pathogenic (PMID: 21822267). This variant is not present in population databases (gnomAD no frequency). This variant has not been reported in the literature in individuals affected with RAD51D-related conditions. For these reasons, this variant has been classified as Pathogenic.

Literature cited by the submitters: PubMed 21822267.

NM_002878.4(RAD51D):c.195del (p.Pro65_Val66insTer)

Genes: RAD51D (RAD51 paralog D; minus strand), RAD51L3-RFFL (RAD51L3-RFFL readthrough; minus strand). Cytogenetic location: 17q12.
Variant type: Deletion.
Coding change: c.195del on transcript NM_002878.4 (MANE Select); coding-DNA position 195, one base deleted (C; older notation c.195delC).
Protein change: p.Pro65_Val66insTer.
Molecular consequence: frameshift variant. On other transcripts: intron variant (2).
Genome position (GRCh38, 1-based): chr17:35,118,569, G deleted on the plus strand (C on the coding strand, the reverse complement: RAD51D is on the minus strand); the first of 4 consecutive G bases (chr17:35,118,569-35,118,572); deleting any one gives the same sequence. VCF-style (leftmost placement, unchanged base first): chr17-35118568-CG-C. GRCh37 (hg19) VCF-style: chr17-33445587-CG-C.
Other names: c.144+542del (NM_133629.3, NM_001142571.2).
Identifiers: ClinVar variation 3725819 (VCV003725819.2).